The following is an entry in ClinVar:

ClinVar aggregate classification (germline): Benign. Review status: criteria provided, single submitter (1 of 4 stars). 2 submissions from 2 submitters: Benign (1). 1 of the submissions does not count toward it. Last evaluated 2024-11-08.

Conditions:
SCAPER-related disorder. Also called: SCAPER-related condition.

gnomAD v4.1: 299 of 1,611,998 alleles (0.019%); highest among the groups gnomAD compares: East Asian, 0.57%; 1 homozygote.

Submissions (2):

Blueprint Genetics
Classification: Benign. Last evaluated: 2024-11-08. Review status: criteria provided, single submitter. Criteria: ACMG Guidelines, 2015. Collection method: clinical testing. Allele origin: germline.

PreventionGenetics, part of Exact Sciences
Classification: Likely benign for SCAPER-related condition. Last evaluated: 2024-07-27. Review status: no assertion criteria provided. Collection method: clinical testing. Allele origin: germline. Not counted in ClinVar's aggregate classification.
Comment: This variant is classified as likely benign based on ACMG/AMP sequence variant interpretation guidelines (Richards et al. 2015 PMID: 25741868, with internal and published modifications).

NM_020843.4(SCAPER):c.3341A>C (p.Lys1114Thr)

Gene: SCAPER (S-phase cyclin A associated protein in the ER; minus strand). Cytogenetic location: 15q24.3.
Variant type: single nucleotide variant.
Coding change: c.3341A>C on transcript NM_020843.4 (MANE Select); coding-DNA position 3341, A replaced by C.
Protein change: p.Lys1114Thr; replaces lysine 1114 with threonine.
Molecular consequence: missense variant. On other transcripts: non-coding transcript variant (1).
Genome position (GRCh38, 1-based): chr15:76,404,650, T>G on the plus strand (A>C on the coding strand, the complement: SCAPER is on the minus strand). VCF-style: chr15-76404650-T-G. GRCh37 (hg19) VCF-style: chr15-76696991-T-G.
Other names: c.2603A>C, p.Lys868Thr (NM_001145923.2); c.3359A>C, p.Lys1120Thr (NM_001353009.2); c.2939A>C, p.Lys980Thr (NM_001353010.2, NM_001353012.2); c.2957A>C, p.Lys986Thr (NM_001353011.2); short protein forms K1114T, K1120T, K868T, K980T, K986T.
Identifiers: ClinVar variation 3354930 (VCV003354930.2).